The following is an entry in ClinVar:

NM_001367561.1(DOCK7):c.1541C>A (p.Ser514Tyr)

Gene: DOCK7 (dedicator of cytokinesis 7; minus strand). Cytogenetic location: 1p31.3.
Variant type: single nucleotide variant.
Coding change: c.1541C>A on transcript NM_001367561.1 (MANE Select); coding-DNA position 1541, C replaced by A.
Protein change: p.Ser514Tyr; replaces serine 514 with tyrosine.
Molecular consequence: missense variant.
Genome position (GRCh38, 1-based): chr1:62,618,847, G>T on the plus strand (C>A on the coding strand, the complement: DOCK7 is on the minus strand). VCF-style: chr1-62618847-G-T. GRCh37 (hg19) VCF-style: chr1-63084518-G-T.
Other names: c.1541C>A, p.Ser514Tyr (NM_001271999.2, NM_001272000.2, NM_001272001.2 and 3 more transcripts); short protein forms S514Y.
Identifiers: ClinVar variation 1715088 (VCV001715088.6), dbSNP rs2522864164, ClinGen allele CA340613157.

ClinVar aggregate classification (germline): Uncertain significance (1 of 4 stars; one submission).

Conditions:
Developmental and epileptic encephalopathy, 23 (DEE23). Also called: Epileptic encephalopathy, early infantile, 23. Identifiers: Orphanet 411986, MedGen C4014492, MONDO:0014371, OMIM 615859.

Submission:

Labcorp Genetics (formerly Invitae), Labcorp
Classification: Uncertain significance for Developmental and epileptic encephalopathy, 23. Last evaluated: 2022-08-05. Review status: criteria provided, single submitter. Criteria: Invitae Variant Classification Sherloc (09022015). Collection method: clinical testing. Allele origin: germline.
Comment: In summary, the available evidence is currently insufficient to determine the role of this variant in disease. Therefore, it has been classified as a Variant of Uncertain Significance. Algorithms developed to predict the effect of missense changes on protein structure and function are either unavailable or do not agree on the potential impact of this missense change (SIFT: "Deleterious"; PolyPhen-2: "Probably Damaging"; Align-GVGD: "Class C15"). This variant has not been reported in the literature in individuals affected with DOCK7-related conditions. This variant is not present in population databases (gnomAD no frequency). This sequence change replaces serine, which is neutral and polar, with tyrosine, which is neutral and polar, at codon 514 of the DOCK7 protein (p.Ser514Tyr).